The following is an entry in ClinVar:

NM_145045.5(ODAD3):c.267dup (p.Glu90Ter)

Gene: ODAD3 (outer dynein arm docking complex subunit 3; minus strand). Cytogenetic location: 19p13.2.
Variant type: Duplication.
Coding change: c.267dup on transcript NM_145045.5 (MANE Select); coding-DNA position 267, one base duplicated (T; older notation c.267dupT).
Protein change: p.Glu90Ter; replaces glutamic acid 90 with a stop codon.
Molecular consequence: nonsense.
Genome position (GRCh38, 1-based): chr19:11,430,998, A duplicated on the plus strand (T on the coding strand, the reverse complement: ODAD3 is on the minus strand); the first of 7 consecutive A bases (chr19:11,430,998-11,431,004); duplicating any one gives the same sequence. VCF-style (leftmost placement, unchanged base first): chr19-11430997-C-CA. GRCh37 (hg19) VCF-style: chr19-11541817-C-CA.
Other names: c.105dup, p.Glu36Ter (NM_001302453.1); c.267dup, p.Glu90Ter (NM_001302454.2); c.267dupT (NM_145045.4); short protein forms E90*, E36*.
Identifiers: ClinVar variation 477980 (VCV000477980.11), dbSNP rs1555723797, ClinGen allele CA658658782.

ClinVar aggregate classification (germline): Pathogenic. Review status: criteria provided, multiple submitters, no conflicts (2 of 4 stars). 2 submissions from 2 submitters: Pathogenic (2). Last evaluated 2022-02-11.

Conditions:
Primary ciliary dyskinesia 30. Also called: CILIARY DYSKINESIA, PRIMARY, 30, WITH OR WITHOUT SITUS INVERSUS. Identifiers: Orphanet 244, MedGen C4015016, MONDO:0014465, OMIM 616037.

Submissions (2):

Labcorp Genetics (formerly Invitae), Labcorp
Classification: Pathogenic for Primary ciliary dyskinesia 30. Last evaluated: 2022-02-11. Review status: criteria provided, single submitter. Criteria: Invitae Variant Classification Sherloc (09022015). Collection method: clinical testing. Allele origin: germline.
Comment: ClinVar contains an entry for this variant (Variation ID: 477980). This variant has not been reported in the literature in individuals affected with CCDC151-related conditions. This variant is not present in population databases (gnomAD no frequency). This sequence change creates a premature translational stop signal (p.Glu90*) in the CCDC151 gene. It is expected to result in an absent or disrupted protein product. Loss-of-function variants in CCDC151 are known to be pathogenic (PMID: 25192045). For these reasons, this variant has been classified as Pathogenic.

Beijing Key Laboratry for Genetics of Birth Defects, Beijing Children's Hospital
Classification: Pathogenic for Primary ciliary dyskinesia 30. Last evaluated: 2020-12-20. Review status: criteria provided, single submitter. Criteria: ACMG Guidelines, 2015. Collection method: clinical testing. Allele origin: germline. Affected: yes. Observed: 1 variant allele.

Literature cited by the submitters: PubMed 25192045 (cited by Labcorp Genetics (formerly Invitae), Labcorp).